The following is an entry in ClinVar:

NM_006939.4(SOS2):c.1934+6A>C

Gene: SOS2 (SOS Ras/Rho guanine nucleotide exchange factor 2; minus strand). Cytogenetic location: 14q21.3.
Variant type: single nucleotide variant.
Coding change: c.1934+6A>C on transcript NM_006939.4 (MANE Select); 6 bases into the intron after coding-DNA position 1934, A replaced by C.
Molecular consequence: intron variant.
Genome position (GRCh38, 1-based): chr14:50,158,559, T>G on the plus strand (A>C on the coding strand, the complement: SOS2 is on the minus strand). VCF-style: chr14-50158559-T-G. GRCh37 (hg19) VCF-style: chr14-50625277-T-G.
Other names: c.1835+6A>C (NM_001411020.1).
Identifiers: ClinVar variation 2744902 (VCV002744902.3), dbSNP rs2502982177, ClinGen allele CA2624772967.

ClinVar aggregate classification (germline): Uncertain significance (1 of 4 stars; one submission).

Conditions:
Noonan syndrome 9 (NS9). Identifiers: Orphanet 648, MedGen C4225282, MONDO:0014691, OMIM 616559.

Submission:

Labcorp Genetics (formerly Invitae), Labcorp
Classification: Uncertain significance for Noonan syndrome 9. Last evaluated: 2023-07-19. Review status: criteria provided, single submitter. Criteria: Invitae Variant Classification Sherloc (09022015). Collection method: clinical testing. Allele origin: germline.
Comment: This sequence change falls in intron 11 of the SOS2 gene. It does not directly change the encoded amino acid sequence of the SOS2 protein. It affects a nucleotide within the consensus splice site. This variant is not present in population databases (gnomAD no frequency). This variant has not been reported in the literature in individuals affected with SOS2-related conditions. Variants that disrupt the consensus splice site are a relatively common cause of aberrant splicing (PMID: 17576681, 9536098). Algorithms developed to predict the effect of sequence changes on RNA splicing suggest that this variant is not likely to affect RNA splicing. In summary, the available evidence is currently insufficient to determine the role of this variant in disease. Therefore, it has been classified as a Variant of Uncertain Significance.

Literature cited by the submitters: PubMed 17576681; PubMed 9536098.